The following is an entry in ClinVar:

ClinVar aggregate classification (germline): Likely benign. Review status: criteria provided, multiple submitters, no conflicts (2 of 4 stars). 2 submissions from 2 submitters: Likely benign (2). Last evaluated 2025-10-23.

Conditions:
BBS9-related disorder. Also called: BBS9-related condition.
Bardet-Biedl syndrome (BBS). Identifiers: Orphanet 110, MedGen C0752166, MONDO:0015229.

Allele frequency attached by ClinVar (database versions not stated): gnomAD 0.00001; TOPMed 0.00001.
gnomAD v4.1: 2 of 1,614,038 alleles (0.00012%); highest among the groups gnomAD compares: African/African-American, 0.0013%; no homozygotes.

Submissions (2):

PreventionGenetics, part of Exact Sciences
Classification: Likely benign for BBS9-related condition. Last evaluated: 2025-10-23. Review status: criteria provided, single submitter. Criteria: ACMG Guidelines, 2015. Collection method: clinical testing. Allele origin: germline.
Comment: This variant is classified as likely benign based on ACMG/AMP sequence variant interpretation guidelines (Richards et al. 2015 PMID: 25741868, with internal and published modifications).

Labcorp Genetics (formerly Invitae), Labcorp
Classification: Likely benign for Bardet-Biedl syndrome. Last evaluated: 2022-07-12. Review status: criteria provided, single submitter. Criteria: Invitae Variant Classification Sherloc (09022015). Collection method: clinical testing. Allele origin: germline.

NM_198428.3(BBS9):c.2142G>A (p.Glu714=)

Gene: BBS9 (Bardet-Biedl syndrome 9; plus strand). Cytogenetic location: 7p14.3.
Variant type: single nucleotide variant.
Coding change: c.2142G>A on transcript NM_198428.3 (MANE Select); coding-DNA position 2142, G replaced by A.
Protein change: p.Glu714=; no amino-acid change (glutamic acid 714 retained).
Molecular consequence: synonymous variant. On other transcripts: non-coding transcript variant (3), intron variant (1).
Genome position (GRCh38, 1-based): chr7:33,505,489, G>A. VCF-style: chr7-33505489-G-A. GRCh37 (hg19) VCF-style: chr7-33545101-G-A.
Other names: c.2037G>A, p.Glu679= (NM_001033604.2); c.2127G>A, p.Glu709= (NM_001033605.2); c.2142G>A, p.Glu714= (NM_001348036.1, NM_001348041.4, NM_001348043.3 and 1 more transcripts); c.1869G>A, p.Glu623= (NM_001348038.3); c.1764G>A, p.Glu588= (NM_001348039.3); c.2022G>A, p.Glu674= (NM_001348040.3, NM_014451.4); c.2007G>A, p.Glu669= (NM_001348042.3); c.1671G>A, p.Glu557= (NM_001348044.3); and 3 more.
Identifiers: ClinVar variation 1561563 (VCV001561563.9), dbSNP rs1846024220, ClinGen allele CA454455474.